The following is an entry in ClinVar:

NM_001271.4(CHD2):c.3759del (p.Ala1254fs)

Gene: CHD2 (chromodomain helicase DNA binding protein 2; plus strand). Cytogenetic location: 15q26.1.
Variant type: Deletion.
Coding change: c.3759del on transcript NM_001271.4 (MANE Select); coding-DNA position 3759, one base deleted (A; older notation c.3759delA).
Protein change: p.Ala1254fs; shifts the reading frame from alanine 1254.
Molecular consequence: frameshift variant.
Genome position (GRCh38, 1-based): chr15:92,997,277, A deleted; the last of 3 consecutive A bases (chr15:92,997,275-92,997,277); deleting any one gives the same sequence. VCF-style (leftmost placement, unchanged base first): chr15-92997274-CA-C. GRCh37 (hg19) VCF-style: chr15-93540504-CA-C.
Other names: short protein forms A1254fs.
Identifiers: ClinVar variation 2006230 (VCV002006230.4), dbSNP rs2505590732, ClinGen allele CA2580090340.

ClinVar aggregate classification (germline): Pathogenic (1 of 4 stars; one submission).

Conditions:
Developmental and epileptic encephalopathy 94 (DEE94). Also called: Epileptic encephalopathy, childhood-onset; CHD2-Related Neurodevelopmental Disorders. Identifiers: Orphanet 1942, Orphanet 2382, MedGen C3809278, MONDO:0014150, OMIM 615369.

Submission:

Labcorp Genetics (formerly Invitae), Labcorp
Classification: Pathogenic for Developmental and epileptic encephalopathy 94. Last evaluated: 2022-06-14. Review status: criteria provided, single submitter. Criteria: Invitae Variant Classification Sherloc (09022015). Collection method: clinical testing. Allele origin: germline.
Comment: This variant is not present in population databases (gnomAD no frequency). This variant has not been reported in the literature in individuals affected with CHD2-related conditions. For these reasons, this variant has been classified as Pathogenic. This sequence change creates a premature translational stop signal (p.Ala1254Leufs*6) in the CHD2 gene. It is expected to result in an absent or disrupted protein product. Loss-of-function variants in CHD2 are known to be pathogenic (PMID: 23708187, 24207121).

Literature cited by the submitters: PubMed 23708187; PubMed 24207121.